The following is an entry in ClinVar:

NM_001848.3(COL6A1):c.105C>G (p.Pro35=)

Gene: COL6A1 (collagen type VI alpha 1 chain; plus strand). Cytogenetic location: 21q22.3.
Variant type: single nucleotide variant.
Coding change: c.105C>G on transcript NM_001848.3 (MANE Select); coding-DNA position 105, C replaced by G.
Protein change: p.Pro35=; no amino-acid change (proline 35 retained).
Molecular consequence: synonymous variant.
Genome position (GRCh38, 1-based): chr21:45,982,641, C>G. VCF-style: chr21-45982641-C-G. GRCh37 (hg19) VCF-style: chr21-47402555-C-G.
Identifiers: ClinVar variation 93804 (VCV000093804.52), dbSNP rs145579577, ClinGen allele CA221749.

ClinVar aggregate classification (germline): Benign/Likely benign. Review status: criteria provided, multiple submitters, no conflicts (2 of 4 stars). 11 submissions from 11 submitters: Benign (2); Likely benign (6). 3 of the submissions do not count toward it. Last evaluated 2026-05-01.

Conditions:
COL6A1-related disorder. Also called: COL6A1-related condition.
Collagen 6-related myopathy. Identifiers: MedGen CN117976, MONDO:0100225.
Bethlem myopathy 1A. Also called: MYOPATHY, BENIGN CONGENITAL, WITH CONTRACTURES; Bethlem myopathy 1; Bethlem Muscular Dystrophy. Identifiers: Orphanet 610, MedGen CN029274, MONDO:0024530, OMIM 158810.

Allele frequency attached by ClinVar (database versions not stated): 1000 Genomes Project 0.00020; 1000 Genomes Project 30x 0.00031; ExAC 0.00102; ESP Exome Variant Server 0.00108; gnomAD exomes 0.00125; TOPMed 0.00130; gnomAD 0.00135 and 0.00143.
gnomAD v4.1: 3,069 of 1,612,850 alleles (0.19%); highest among the groups gnomAD compares: Non-Finnish European, 0.23%; 7 homozygotes.

Submissions (11):

CeGaT Center for Human Genetics Tuebingen
Classification: Likely benign. Last evaluated: 2026-05-01. Review status: criteria provided, single submitter. Criteria: CeGaT Center For Human Genetics Tuebingen Variant Classification Criteria Version 2. Collection method: clinical testing. Allele origin: germline. Affected: yes. Observed: 14 variant alleles.
Comment: COL6A1: BP4, BP7

Labcorp Genetics (formerly Invitae), Labcorp
Classification: Likely benign for Bethlem myopathy 1A. Last evaluated: 2026-01-27. Review status: criteria provided, single submitter. Criteria: Invitae Variant Classification Sherloc (09022015). Collection method: clinical testing. Allele origin: germline.

Athena Diagnostics
Classification: Benign. Last evaluated: 2025-04-09. Review status: criteria provided, single submitter. Criteria: Athena Diagnostics Criteria. Collection method: clinical testing. Allele origin: unknown.
Comment: The frequency of this variant in the general population is higher than would generally be expected for pathogenic variants in this gene. Computational tools yielded predictions that this variant is unlikely to have an effect on normal RNA splicing. This nucleotide position exhibits low evolutionary conservation.

Blueprint Genetics
Classification: Likely benign. Last evaluated: 2024-10-24. Review status: criteria provided, single submitter. Criteria: ACMG Guidelines, 2015. Collection method: clinical testing. Allele origin: germline.

GeneDx
Classification: Likely benign. Last evaluated: 2020-08-05. Review status: criteria provided, single submitter. Criteria: GeneDx Variant Classification Process June 2021. Collection method: clinical testing. Allele origin: germline. Affected: yes.

Illumina Laboratory Services, Illumina
Classification: Benign for Collagen VI-related myopathy. Last evaluated: 2018-01-13. Review status: criteria provided, single submitter. Criteria: ICSL Variant Classification Criteria 13 December 2019. Collection method: clinical testing. Allele origin: germline.
Comment: This variant was observed in the ICSL laboratory as part of a predisposition screen in an ostensibly healthy population. It had not been previously curated by ICSL or reported in the Human Gene Mutation Database (HGMD: prior to June 1st, 2018), and was therefore a candidate for classification through an automated scoring system. Utilizing variant allele frequency, disease prevalence and penetrance estimates, and inheritance mode, an automated score was calculated to assess if this variant is too frequent to cause the disease. Based on the score and internal cut-off values, a variant classified as benign is not then subjected to further curation. The score for this variant resulted in a classification of benign for this disease.

Eurofins Ntd Llc (ga)
Classification: Likely benign. Last evaluated: 2015-08-18. Review status: criteria provided, single submitter. Criteria: EGL Classification Definitions 2015. Collection method: clinical testing. Allele origin: germline. Observed: 6 variant alleles, 6 heterozygotes.

Breakthrough Genomics
Classification: Likely benign. Review status: criteria provided, single submitter. Criteria: ACMG Guidelines, 2015. Collection method: not provided. Allele origin: germline. Inheritance: Autosomal recessive inheritance. Affected: yes.

PreventionGenetics, part of Exact Sciences
Classification: Likely benign for COL6A1-related condition. Last evaluated: 2023-02-20. Review status: no assertion criteria provided. Collection method: clinical testing. Allele origin: germline. Not counted in ClinVar's aggregate classification.
Comment: This variant is classified as likely benign based on ACMG/AMP sequence variant interpretation guidelines (Richards et al. 2015 PMID: 25741868, with internal and published modifications).

Clinical Genetics DNA and cytogenetics Diagnostics Lab, Erasmus MC, Erasmus Medical Center
Classification: Likely benign. Review status: no assertion criteria provided. Collection method: clinical testing. Allele origin: germline. Affected: yes. Study: VKGL Data-share Consensus. Not counted in ClinVar's aggregate classification.

Genome Diagnostics Laboratory, University Medical Center Utrecht
Classification: Likely benign. Review status: no assertion criteria provided. Collection method: clinical testing. Allele origin: germline. Affected: yes. Study: VKGL Data-share Consensus. Not counted in ClinVar's aggregate classification.